The following is an entry in ClinVar:

NM_152393.4(KLHL40):c.1684A>G (p.Ile562Val)

Gene: KLHL40 (kelch like family member 40; plus strand). Cytogenetic location: 3p22.1.
Variant type: single nucleotide variant.
Coding change: c.1684A>G on transcript NM_152393.4 (MANE Select); coding-DNA position 1684, A replaced by G.
Protein change: p.Ile562Val; replaces isoleucine 562 with valine.
Molecular consequence: missense variant.
Genome position (GRCh38, 1-based): chr3:42,690,935, A>G. VCF-style: chr3-42690935-A-G. GRCh37 (hg19) VCF-style: chr3-42732427-A-G.
Other names: short protein forms I562V.
Identifiers: ClinVar variation 2575800 (VCV002575800.1), dbSNP rs750477837, ClinGen allele CA2337052.

ClinVar aggregate classification (germline): Uncertain significance (1 of 4 stars; one submission).

Allele frequency attached by ClinVar (database versions not stated): gnomAD exomes below 0.00001; ExAC 0.00001.

Submission:

GeneDx
Classification: Uncertain significance. Last evaluated: 2023-02-13. Review status: criteria provided, single submitter. Criteria: GeneDx Variant Classification Process June 2021. Collection method: clinical testing. Allele origin: germline. Affected: yes.
Comment: Not observed at significant frequency in large population cohorts (gnomAD); In silico analysis supports that this missense variant does not alter protein structure/function; Has not been previously published as pathogenic or benign to our knowledge